The following is an entry in ClinVar:

NM_001024630.4(RUNX2):c.274del (p.Arg92fs)

Gene: RUNX2 (RUNX family transcription factor 2; plus strand). Cytogenetic location: 6p21.1.
Variant type: Deletion.
Coding change: c.274del on transcript NM_001024630.4 (MANE Select); coding-DNA position 274, one base deleted (C; older notation c.274delC).
Protein change: p.Arg92fs; shifts the reading frame from arginine 92.
Molecular consequence: frameshift variant.
Genome position (GRCh38, 1-based): chr6:45,422,808, C deleted; the last of 4 consecutive C bases (chr6:45,422,805-45,422,808); deleting any one gives the same sequence. VCF-style (leftmost placement, unchanged base first): chr6-45422804-GC-G. GRCh37 (hg19) VCF-style: chr6-45390541-GC-G.
Other names: c.274del, p.Arg92fs (NM_001015051.4); c.232del, p.Arg78fs (NM_001278478.2, NM_001369405.1); short protein forms R78fs, R92fs.
Identifiers: ClinVar variation 1071561 (VCV001071561.9), dbSNP rs2150362526, ClinGen allele CA2499218318.

ClinVar aggregate classification (germline): Pathogenic (1 of 4 stars; one submission).

Submission:

Labcorp Genetics (formerly Invitae), Labcorp
Classification: Pathogenic. Last evaluated: 2020-03-06. Review status: criteria provided, single submitter. Criteria: Invitae Variant Classification Sherloc (09022015). Collection method: clinical testing. Allele origin: germline.
Comment: For these reasons, this variant has been classified as Pathogenic. Loss-of-function variants in RUNX2 are known to be pathogenic (PMID: 10521292, 11857736). This variant has been observed in individual(s) with cleidocranial dysplasia (PMID: 20648631, Invitae). This variant is not present in population databases (ExAC no frequency). This sequence change creates a premature translational stop signal (p.Arg92Glyfs*52) in the RUNX2 gene. It is expected to result in an absent or disrupted protein product.

Literature cited by the submitters: PubMed 10521292; PubMed 11857736; PubMed 20648631.